The following is an entry in ClinVar:

ClinVar aggregate classification (germline): Uncertain significance (1 of 4 stars; one submission).

Conditions:
Hereditary cancer-predisposing syndrome. Also called: Tumor predisposition; Hereditary Cancer Syndrome; Neoplastic Syndromes, Hereditary; Hereditary neoplastic syndrome. Identifiers: Orphanet 140162, MedGen C0027672, MeSH D009386, MONDO:0015356.

Submission:

Color Diagnostics, LLC DBA Color Health
Classification: Uncertain significance for Hereditary cancer-predisposing syndrome. Last evaluated: 2025-09-23. Review status: criteria provided, single submitter. Criteria: ACMG Guidelines, 2015. Collection method: clinical testing. Allele origin: germline.
Comment: This missense variant replaces alanine with glycine at codon 1606 of the APC protein. Computational prediction suggests that this variant may not impact protein structure and function. APC is defined as a gene for which primarily truncating variants are known to cause disease (ClinGen HCCP VCEP). To our knowledge, functional studies have not been reported for this variant. This variant has not been reported in individuals affected with APC-related disorders in the literature. This variant has not been identified in the general population by the Genome Aggregation Database (gnomAD). The available evidence is insufficient to determine the role of this variant in disease conclusively. Therefore, this variant is classified as a Variant of Uncertain Significance.

NM_000038.6(APC):c.4817C>G (p.Ala1606Gly)

Gene: APC (APC regulator of Wnt signaling pathway; plus strand). Cytogenetic location: 5q22.2.
Variant type: single nucleotide variant.
Coding change: c.4817C>G on transcript NM_000038.6 (MANE Select); coding-DNA position 4817, C replaced by G.
Protein change: p.Ala1606Gly; replaces alanine 1606 with glycine.
Molecular consequence: missense variant. On other transcripts: non-coding transcript variant (2).
Genome position (GRCh38, 1-based): chr5:112,840,411, C>G. VCF-style: chr5-112840411-C-G. GRCh37 (hg19) VCF-style: chr5-112176108-C-G.
Other names: c.4817C>G, p.Ala1606Gly (NM_001127510.3, NM_001354895.2, NM_001407450.1); c.4763C>G, p.Ala1588Gly (NM_001127511.3); c.4871C>G, p.Ala1624Gly (NM_001354896.2, NM_001407447.1, NM_001407448.1 and 1 more transcripts); c.4847C>G, p.Ala1616Gly (NM_001354897.2); c.4742C>G, p.Ala1581Gly (NM_001354898.2); c.4733C>G, p.Ala1578Gly (NM_001354899.2); c.4694C>G, p.Ala1565Gly (NM_001354900.2); c.4640C>G, p.Ala1547Gly (NM_001354901.2, NM_001407453.1); and 11 more; short protein forms A1222G, A1323G, A1446G, A1477G, A1480G, A1505G, A1515G, A1523G.
Identifiers: ClinVar variation 4756411 (VCV004756411.1).